The following is an entry in ClinVar:

NM_000092.5(COL4A4):c.2906C>G (p.Ser969Ter)

Gene: COL4A4 (collagen type IV alpha 4 chain; minus strand). Cytogenetic location: 2q36.3.
Variant type: single nucleotide variant.
Coding change: c.2906C>G on transcript NM_000092.5 (MANE Select); coding-DNA position 2906, C replaced by G.
Protein change: p.Ser969Ter; replaces serine 969 with a stop codon.
Molecular consequence: nonsense.
Genome position (GRCh38, 1-based): chr2:227,052,367, G>C on the plus strand (C>G on the coding strand, the complement: COL4A4 is on the minus strand). VCF-style: chr2-227052367-G-C. GRCh37 (hg19) VCF-style: chr2-227917083-G-C.
Other names: short protein forms S969*.
Identifiers: ClinVar variation 449549 (VCV000449549.52), dbSNP rs35138315, ClinGen allele CA2144685.

ClinVar aggregate classification (germline): Pathogenic. Review status: criteria provided, multiple submitters, no conflicts (2 of 4 stars). 24 submissions from 22 submitters: Pathogenic (21). 3 of the submissions do not count toward it. Last evaluated 2026-09-15.

Conditions:
COL4A4-related disorder.
Inborn genetic diseases. Identifiers: MedGen C0950123, MeSH D030342.
Hematuria. Identifiers: MedGen C0018965, HP:0000790.
Autosomal recessive Alport syndrome (ATS2). Also called: ALPORT SYNDROME 2, AUTOSOMAL RECESSIVE; COL4A3-Related Nephropathy; COL4A4 Alport Syndrome and Thin Basement Membrane Nephropathy; Alport syndrome type 2. Identifiers: Orphanet 63, Orphanet 88919, MedGen C4746745, MONDO:0008762, OMIM 203780.
Hematuria, benign familial, 1 (BFH1). Also called: THIN MEMBRANE NEPHROPATHY. Identifiers: MedGen CN376803, MONDO:0007709, OMIM 141200.
Alport syndrome. Also called: Hemorrhagic familial nephritis; Hemorrhagic hereditary nephritis; Congenital hereditary hematuria. Identifiers: Orphanet 63, MedGen C1567741, MONDO:0018965.
Benign familial hematuria. Also called: thin basement membrane disease. Identifiers: MedGen C0241908, MONDO:0957317.
Chronic kidney disease. Identifiers: MedGen C1561643, MONDO:0005300, HP:0012622.

Allele frequency attached by ClinVar (database versions not stated): ExAC 0.00006; TOPMed 0.00006; gnomAD exomes 0.00007 and 0.00036; ESP Exome Variant Server 0.00008; gnomAD 0.00011.
gnomAD v4.1: 521 of 1,613,292 alleles (0.032%); highest among the groups gnomAD compares: Non-Finnish European, 0.043%; no homozygotes.

Submissions 1 to 8 of 24:

Genetics Laboratory, Great Ormond Street Hospital NHS Foundation Trust, North Thames Genomic Laboratory Hub
Classification: Pathogenic for Haematuria. Last evaluated: 2026-09-15. Review status: criteria provided, single submitter. Criteria: ACGS Best Practice Guidelines for Variant Classification in Rare Disease 2024 v1.2. Collection method: clinical testing. Allele origin: germline. Affected: yes.
Comment: PVS1_very-strong, PM3_moderate, PP4_supporting

GeneDx
Classification: Pathogenic. Last evaluated: 2026-08-26. Review status: criteria provided, single submitter. Criteria: GeneDx Variant Classification Process June 2021. Collection method: clinical testing. Allele origin: germline.
Comment: Nonsense variant predicted to result in protein truncation or nonsense mediated decay in a gene for which loss of function is a known mechanism of disease; This variant is associated with the following publications: (PMID: 29431110, 30406062, 25525159, 30647093, 31980526, 32723786, 24052634, 26346198, 12325029, 36939041, Gale2024[ClinicalStudy], 35649421, 34662886, 34758253, 39349776)

PreventionGenetics, part of Exact Sciences
Classification: Pathogenic for COL4A4-related condition. Last evaluated: 2026-08-04. Review status: criteria provided, single submitter. Criteria: ACMG Guidelines, 2015. Collection method: clinical testing. Allele origin: germline.
Comment: The COL4A4 c.2906C>G variant is predicted to result in premature protein termination (p.Ser969*). This variant has been reported to be pathogenic for autosomal recessive Alport syndrome (see for example, Dagher et al. 2002. PubMed ID: 12325029; Storey et al. 2013. PubMed ID: 24052634; Gast et al. 2015. PubMed ID: 26346198). In addition, this variant in the heterozygous state has been reported in an individual with recurrent and persistent hematuria (Barton et al. 2022. PubMed ID: 35649421). This variant is reported in 0.012% of alleles in individuals of European (non-Finnish) descent in gnomAD. Nonsense variants in COL4A4 are expected to be pathogenic. This variant is interpreted as pathogenic for both autosomal dominant and recessive COL4A4-related Alport syndrome spectrum disorders.

Victorian Clinical Genetics Services, Murdoch Childrens Research Institute
Classification: Pathogenic for Alport syndrome. Last evaluated: 2026-05-19. Review status: criteria provided, single submitter. Criteria: ACMG Guidelines, 2015. Collection method: clinical testing. Allele origin: germline. Affected: yes.
Comment: This variant is classified as Pathogenic. Evidence in support of pathogenic classification: Variant is predicted to cause nonsense-mediated decay (NMD) and loss of protein (premature termination codon is located at least 54 nucleotides upstream of the final exon-exon junction); Variant is present in gnomAD <0.01 (v4: 521 heterozygote(s), 0 homozygote(s)); This variant has strong previous evidence of pathogenicity in unrelated individuals. This variant has been reported as homozygous or compound heterozygous in multiple individuals with Alport syndrome, and has been reported as heterozygous in individuals with thin basement membrane nephropathy and focal segmental glomerulosclerosis (PMIDs: 12631110, 24052634, 26346198). In addition, this variant has been classified as pathogenic by many clinical laboratories (ClinVar); Other NMD-predicted variants comparable to the one identified in this case have very strong previous evidence for pathogenicity. There are multiple pathogenic NMD-predicted variants in COL4A4 (ClinVar). Additional information: This variant is heterozygous; This gene is associated with both recessive and dominant Alport syndrome (MONDO:0018965), COL4A4-related; Loss of function is a known mechanism of disease for this gene and is associated with Alport syndrome (MONDO:0018965), COL4A4-related. Dominant negative is a suspected mechanism of disease for glycine changes that are part of a Gly-X-Y repeat in the triple helix of a collagen domain (PMIDs: 12028435, 24046192, 38214412); Inheritance information for this variant is not currently available in this individual.

Labcorp Genetics (formerly Invitae), Labcorp
Classification: Pathogenic. Last evaluated: 2026-01-27. Review status: criteria provided, single submitter. Criteria: Invitae Variant Classification Sherloc (09022015). Collection method: clinical testing. Allele origin: germline.
Comment: This sequence change creates a premature translational stop signal (p.Ser969*) in the COL4A4 gene. It is expected to result in an absent or disrupted protein product. Loss-of-function variants in COL4A4 are known to be pathogenic (PMID: 21196518, 24854265, 25307543). This variant is present in population databases (rs35138315, gnomAD 0.01%). This premature translational stop signal has been observed in individuals with Alport syndrome (PMID: 12325029, 24052634). ClinVar contains an entry for this variant (Variation ID: 449549). For these reasons, this variant has been classified as Pathogenic.

Ambry Genetics
Classification: Pathogenic for Inborn genetic diseases. Last evaluated: 2025-07-22. Review status: criteria provided, single submitter. Criteria: Ambry Variant Classification Scheme 2023. Collection method: clinical testing. Allele origin: germline.
Comment: The c.2906C>G (p.S969*) alteration, located in exon 32 (coding exon 31) of the COL4A4 gene, consists of a C to G substitution at nucleotide position 2906. This changes the amino acid from a serine (S) to a stop codon at amino acid position 969. This alteration is expected to result in loss of function by premature protein truncation or nonsense-mediated mRNA decay. Based on data from gnomAD, the G allele has an overall frequency of 0.006% (18/280956) total alleles studied. The highest observed frequency was 0.012% (16/128706) of European (non-Finnish) alleles. This variant has been identified in the homozygous state and/or in conjunction with another COL4A4 variant in individuals with features consistent with Alport syndrome; in at least one instance, the variants were identified in trans (Dagher, 2002; Storey, 2013). This variant was also reported as heterozygous in an individual with features consistent with Alport syndrome (Dagher, 2002). Based on the available evidence, this alteration is classified as pathogenic.

ARUP Laboratories, Molecular Genetics and Genomics, ARUP Laboratories
Classification: Pathogenic. Last evaluated: 2025-06-12. Review status: criteria provided, single submitter. Criteria: ARUP Molecular Germline Variant Investigation Process 2024. Collection method: clinical testing. Allele origin: germline.
Comment: The COL4A4 c.2906C>G; p.Ser969Ter variant (rs35138315, ClinVar Variation ID: 449549) is reported in the literature in both the compound heterozygous and homozygous state in multiple families affected with Alport syndrome (Dagher 2002, Storey 2013). This variant is found in the general population with an overall allele frequency of 0.006% (18/280956 alleles) in the Genome Aggregation Database (v2.1.1). This variant induces an early termination codon and is predicted to result in a truncated protein or mRNA subject to nonsense-mediated decay. Based on available information, this variant is considered to be pathogenic. REFERENCES Dagher H et al. Three novel COL4A4 mutations resulting in stop codons and their clinical effects in autosomal recessive Alport syndrome. Hum Mutat. 2002 Oct;20(4):321-2. PMID: 12325029. Storey H et al. COL4A3/COL4A4 mutations and features in individuals with autosomal recessive Alport syndrome. J Am Soc Nephrol. 2013 Dec;24(12):1945-54. PMID: 24052634.

Variantyx, Inc.
Classification: Pathogenic for Autosomal recessive Alport syndrome. Last evaluated: 2025-04-23. Review status: criteria provided, single submitter. Criteria: Variantyx Assertion Criteria 2022. Collection method: clinical testing. Allele origin: germline. Inheritance: Autosomal recessive inheritance. Affected: yes.
Comment: This is a nonsense variant in the COL4A4 gene (OMIM: 120131). Pathogenic variants in this gene have been associated with autosomal recessive COL4A4-related Alport spectrum. This variant introduces a premature termination codon in exon 32 out of 48and is expected to result in loss of function, which is a known disease mechanism for COL4A4 in this disorder (PMID: 33854215) (PVS1). This variant has been reported in the homozygous or compound heterozygous state in many unrelated affected individuals (PMID: 24052634, 12325029, 26346198) (PM3). This variant has a 0.0168% maximum allele frequency in non-founder control populations. Based on the current evidence, this variant is classified as pathogenic for autosomal recesive COL4A4-related Alport spectrum. Heterozygous carriers of pathogenic variants can present with isolated, benign hematuria and penetrance is incomplete (PMID: 36090501, 30450445, 29551517). This variant has been reported in heterozygous patients presenting with focal segmental glomerulosclerosis or thin basement membrane nephropathy (PMID:32723786, 12325029).